The following is an entry in ClinVar:

ClinVar aggregate classification (germline): Uncertain significance (1 of 4 stars; one submission).

Allele frequency attached by ClinVar (database versions not stated): gnomAD exomes below 0.00001; TOPMed below 0.00001.
gnomAD v4.1: 1 of 1,613,822 alleles (0.000062%); highest among the groups gnomAD compares: East Asian, 0.0022%; no homozygotes.

Submission:

Labcorp Genetics (formerly Invitae), Labcorp
Classification: Uncertain significance. Last evaluated: 2021-07-28. Review status: criteria provided, single submitter. Criteria: Invitae Variant Classification Sherloc (09022015). Collection method: clinical testing. Allele origin: germline.
Comment: In summary, the available evidence is currently insufficient to determine the role of this variant in disease. Therefore, it has been classified as a Variant of Uncertain Significance. Algorithms developed to predict the effect of missense changes on protein structure and function are either unavailable or do not agree on the potential impact of this missense change (SIFT: "Deleterious"; PolyPhen-2: "Benign"; Align-GVGD: "Class C65"). This variant has not been reported in the literature in individuals affected with DCHS1-related conditions. This variant is not present in population databases (ExAC no frequency). This sequence change replaces threonine with isoleucine at codon 1090 of the DCHS1 protein (p.Thr1090Ile). The threonine residue is highly conserved and there is a moderate physicochemical difference between threonine and isoleucine.

NM_003737.4(DCHS1):c.3269C>T (p.Thr1090Ile)

Gene: DCHS1 (dachsous cadherin-related 1; minus strand). Cytogenetic location: 11p15.4.
Variant type: single nucleotide variant.
Coding change: c.3269C>T on transcript NM_003737.4 (MANE Select); coding-DNA position 3269, C replaced by T.
Protein change: p.Thr1090Ile; replaces threonine 1090 with isoleucine.
Molecular consequence: missense variant.
Genome position (GRCh38, 1-based): chr11:6,632,243, G>A on the plus strand (C>T on the coding strand, the complement: DCHS1 is on the minus strand). VCF-style: chr11-6632243-G-A. GRCh37 (hg19) VCF-style: chr11-6653474-G-A.
Other names: short protein forms T1090I.
Identifiers: ClinVar variation 1508308 (VCV001508308.6), dbSNP rs1036529895, ClinGen allele CA217299284.